The following is an entry in ClinVar:

NM_015141.4(GPD1L):c.691C>T (p.Arg231Cys)

Gene: GPD1L (glycerol-3-phosphate dehydrogenase 1 like; plus strand). Cytogenetic location: 3p22.3.
Variant type: single nucleotide variant.
Coding change: c.691C>T on transcript NM_015141.4 (MANE Select); coding-DNA position 691, C replaced by T.
Protein change: p.Arg231Cys; replaces arginine 231 with cysteine.
Molecular consequence: missense variant.
Genome position (GRCh38, 1-based): chr3:32,158,948, C>T. VCF-style: chr3-32158948-C-T. GRCh37 (hg19) VCF-style: chr3-32200440-C-T.
Other names: p.R231C:CGC>TGC; short protein forms R231C.
Identifiers: ClinVar variation 190766 (VCV000190766.17), dbSNP rs143486835, ClinGen allele CA334816.
Genomic context (GRCh38, chr3:32,158,948, plus strand): 5'-GTGGGAGCTGGGTTCTGCGACGGCCTCCGCTGTGGAGACAACACCAAAGCGGCCGTCATC[C>T]GCCTGGGACTCATGGAAATGATTGCTTTTGCCAGGATCTTCTGCAAAGGCCAAGTGTCTA-3'
Protein context (NP_055956.1, residues 221-241): CGDNTKAAVI[Arg231Cys]LGLMEMIAFA

ClinVar aggregate classification (germline): Conflicting classifications of pathogenicity. Review status: criteria provided, conflicting classifications (1 of 4 stars). 4 submissions from 4 submitters: Uncertain significance (2); Likely benign (2). Last evaluated 2026-08-04.

Conditions:
Cardiovascular phenotype. Identifiers: MedGen CN230736.
Brugada syndrome. Also called: Sudden unexpected nocturnal death syndrome; Sudden unexplained nocturnal death syndrome; Sudden Unexplained Death Syndrome; Sudden Unexplained Nocturnal Death Syndrome (SUNDS). Identifiers: Orphanet 130, MedGen C1142166, MONDO:0015263.

Allele frequency attached by ClinVar (database versions not stated): gnomAD exomes 0.00004 and 0.00011; gnomAD 0.00002; TOPMed 0.00003; ExAC 0.00014; ESP Exome Variant Server 0.00015.
gnomAD v4.1: 67 of 1,613,996 alleles (0.0042%); highest among the groups gnomAD compares: Admixed American, 0.032%; no homozygotes.

Submissions (4):

GeneDx
Classification: Uncertain significance. Last evaluated: 2026-08-04. Review status: criteria provided, single submitter. Criteria: GeneDx Variant Classification Process June 2021. Collection method: clinical testing. Allele origin: germline.
Comment: In silico analysis supports that this missense variant has a deleterious effect on protein structure/function; Has not been previously published as pathogenic or benign to our knowledge

Labcorp Genetics (formerly Invitae), Labcorp
Classification: Likely benign for Brugada syndrome. Last evaluated: 2025-07-03. Review status: criteria provided, single submitter. Criteria: Invitae Variant Classification Sherloc (09022015). Collection method: clinical testing. Allele origin: germline.

Women's Health and Genetics/Laboratory Corporation of America, LabCorp
Classification: Likely benign. Last evaluated: 2022-02-07. Review status: criteria provided, single submitter. Criteria: LabCorp Variant Classification Summary - May 2015. Collection method: clinical testing. Allele origin: germline.
Comment: Variant summary: GPD1L c.691C>T (p.Arg231Cys) results in a non-conservative amino acid change located in the Glycerol-3-phosphate dehydrogenase, NAD-dependent, C-terminal domain (IPR006109) of the encoded protein sequence. Five of five in-silico tools predict a damaging effect of the variant on protein function. The variant allele was found at a frequency of 0.00011 in 250868 control chromosomes (gnomAD). The observed variant frequency is approximately 21 fold of the estimated maximal expected allele frequency for a pathogenic variant in GPD1L causing Brugada Syndrome phenotype (5e-06), strongly suggesting that the variant is benign. To our knowledge, no occurrence of c.691C>T in individuals affected with Brugada Syndrome and no experimental evidence demonstrating its impact on protein function have been reported. Two clinical diagnostic laboratories have submitted clinical-significance assessments for this variant to ClinVar after 2014 and classified the variant as likely benign (n=1), and one laboratory classified the variant as uncertain significance (n=1). Based on the evidence outlined above, the variant was classified as likely benign.

Ambry Genetics
Classification: Uncertain significance for Cardiovascular phenotype. Last evaluated: 2019-12-23. Review status: criteria provided, single submitter. Criteria: Ambry Variant Classification Scheme 2023. Collection method: clinical testing. Allele origin: germline.
Comment: The p.R231C variant (also known as c.691C>T), located in coding exon 6 of the GPD1L gene, results from a C to T substitution at nucleotide position 691. The arginine at codon 231 is replaced by cysteine, an amino acid with highly dissimilar properties. This amino acid position is highly conserved in available vertebrate species. In addition, this alteration is predicted to be deleterious by in silico analysis. Since supporting evidence is limited at this time, the clinical significance of this alteration remains unclear.